The following is an entry in ClinVar:

NM_001605.3(AARS1):c.91A>G (p.Thr31Ala)

Gene: AARS1 (alanyl-tRNA synthetase 1; minus strand). Cytogenetic location: 16q22.1.
Variant type: single nucleotide variant.
Coding change: c.91A>G on transcript NM_001605.3 (MANE Select); coding-DNA position 91, A replaced by G.
Protein change: p.Thr31Ala; replaces threonine 31 with alanine.
Molecular consequence: missense variant.
Genome position (GRCh38, 1-based): chr16:70,282,673, T>C on the plus strand (A>G on the coding strand, the complement: AARS1 is on the minus strand). VCF-style: chr16-70282673-T-C. GRCh37 (hg19) VCF-style: chr16-70316576-T-C.
Other names: short protein forms T31A.
Identifiers: ClinVar variation 320355 (VCV000320355.10), dbSNP rs886052256, ClinGen allele CA10644142.

ClinVar aggregate classification (germline): Uncertain significance. Review status: criteria provided, multiple submitters, no conflicts (2 of 4 stars). 2 submissions from 2 submitters: Uncertain significance (2). Last evaluated 2024-03-29.

Conditions:
Charcot-Marie-Tooth disease type 2. Also called: Charcot-Marie-Tooth type 2. Identifiers: Orphanet 64746, MedGen C0270914, MONDO:0018993.
Charcot-Marie-Tooth disease axonal type 2N (CMT2N). Also called: CHARCOT-MARIE-TOOTH DISEASE, AXONAL, AUTOSOMAL DOMINANT, TYPE 2N; CHARCOT-MARIE-TOOTH NEUROPATHY, AXONAL, TYPE 2N; Charcot-Marie-Tooth Neuropathy Type 2N. Identifiers: Orphanet 228174, MedGen C2750090, MONDO:0013212, OMIM 613287.

Allele frequency attached by ClinVar (database versions not stated): gnomAD 0.00001; gnomAD exomes below 0.00001.
gnomAD v4.1: 5 of 1,614,076 alleles (0.00031%); highest among the groups gnomAD compares: Non-Finnish European, 0.00042%; no homozygotes.

Submissions (2):

Labcorp Genetics (formerly Invitae), Labcorp
Classification: Uncertain significance for Charcot-Marie-Tooth disease type 2. Last evaluated: 2024-03-29. Review status: criteria provided, single submitter. Criteria: Invitae Variant Classification Sherloc (09022015). Collection method: clinical testing. Allele origin: germline.
Comment: This sequence change replaces threonine, which is neutral and polar, with alanine, which is neutral and non-polar, at codon 31 of the AARS protein (p.Thr31Ala). This variant is present in population databases (no rsID available, gnomAD 0.007%). This variant has not been reported in the literature in individuals affected with AARS-related conditions. ClinVar contains an entry for this variant (Variation ID: 320355). Advanced modeling of protein sequence and biophysical properties (such as structural, functional, and spatial information, amino acid conservation, physicochemical variation, residue mobility, and thermodynamic stability) performed at Invitae indicates that this missense variant is not expected to disrupt AARS protein function with a negative predictive value of 95%. In summary, the available evidence is currently insufficient to determine the role of this variant in disease. Therefore, it has been classified as a Variant of Uncertain Significance.

Illumina Laboratory Services, Illumina
Classification: Uncertain significance for Charcot-Marie-Tooth disease axonal type 2N. Last evaluated: 2018-01-13. Review status: criteria provided, single submitter. Criteria: ICSL Variant Classification Criteria 13 December 2019. Collection method: clinical testing. Allele origin: germline.